The following is an entry in ClinVar:

ClinVar aggregate classification (germline): Uncertain significance (1 of 4 stars; one submission).

Conditions:
Generalized epilepsy with febrile seizures plus, type 7 (GEFSP7). Also called: GEFS+, TYPE 7. Identifiers: Orphanet 36387, MedGen C2751778, MONDO:0013470, OMIM 613863.
Neuropathy, hereditary sensory and autonomic, type 2A (HSAN2A). Also called: HSAN IIA; MORVAN DISEASE; NEUROPATHY, CONGENITAL SENSORY; NEUROPATHY, HEREDITARY SENSORY RADICULAR, AUTOSOMAL RECESSIVE; NEUROPATHY, HEREDITARY SENSORY, TYPE IIA; NEUROPATHY, PROGRESSIVE SENSORY, OF CHILDREN. Identifiers: Orphanet 970, MedGen C2752089, MONDO:0024309, OMIM 201300.

Allele frequency attached by ClinVar (database versions not stated): ExAC 0.00001; gnomAD exomes 0.00002.

Submission:

Labcorp Genetics (formerly Invitae), Labcorp
Classification: Uncertain significance for Neuropathy, hereditary sensory and autonomic, type 2A; Generalized epilepsy with febrile seizures plus, type 7. Last evaluated: 2025-03-19. Review status: criteria provided, single submitter. Criteria: Invitae Variant Classification Sherloc (09022015). Collection method: clinical testing. Allele origin: germline.
Comment: This sequence change replaces arginine, which is basic and polar, with glycine, which is neutral and non-polar, at codon 562 of the SCN9A protein (p.Arg562Gly). This variant is present in population databases (rs765529902, gnomAD 0.009%). This variant has not been reported in the literature in individuals affected with SCN9A-related conditions. ClinVar contains an entry for this variant (Variation ID: 946457). Invitae Evidence Modeling of protein sequence and biophysical properties (such as structural, functional, and spatial information, amino acid conservation, physicochemical variation, residue mobility, and thermodynamic stability) indicates that this missense variant is not expected to disrupt SCN9A protein function with a negative predictive value of 95%. In summary, the available evidence is currently insufficient to determine the role of this variant in disease. Therefore, it has been classified as a Variant of Uncertain Significance.

NM_001365536.1(SCN9A):c.1684A>G (p.Arg562Gly)

Genes: SCN1A-AS1 (SCN1A and SCN9A antisense RNA 1; plus strand), SCN9A (sodium voltage-gated channel alpha subunit 9; minus strand). Cytogenetic location: 2q24.3.
Variant type: single nucleotide variant.
Coding change: c.1684A>G on transcript NM_001365536.1 (MANE Select); coding-DNA position 1684, A replaced by G.
Protein change: p.Arg562Gly; replaces arginine 562 with glycine.
Molecular consequence: missense variant.
Genome position (GRCh38, 1-based): chr2:166,284,743, T>C on the plus strand (A>G on the coding strand, the complement: SCN9A is on the minus strand). VCF-style: chr2-166284743-T-C. GRCh37 (hg19) VCF-style: chr2-167141253-T-C.
Other names: c.1684A>G, p.Arg562Gly (NM_002977.4); short protein forms R562G.
Identifiers: ClinVar variation 946457 (VCV000946457.10), dbSNP rs765529902, ClinGen allele CA1944448.